The following is an entry in ClinVar:

NM_024675.4(PALB2):c.1192G>A (p.Val398Met)

Gene: PALB2 (partner and localizer of BRCA2; minus strand). Cytogenetic location: 16p12.2.
Variant type: single nucleotide variant.
Coding change: c.1192G>A on transcript NM_024675.4 (MANE Select); coding-DNA position 1192, G replaced by A.
Protein change: p.Val398Met; replaces valine 398 with methionine.
Molecular consequence: missense variant.
Genome position (GRCh38, 1-based): chr16:23,635,354, C>T on the plus strand (G>A on the coding strand, the complement: PALB2 is on the minus strand). VCF-style: chr16-23635354-C-T. GRCh37 (hg19) VCF-style: chr16-23646675-C-T.
Other names: short protein forms V398M.
Identifiers: ClinVar variation 460885 (VCV000460885.17), dbSNP rs769097541, ClinGen allele CA7963726.

ClinVar aggregate classification (germline): Conflicting classifications of pathogenicity. Review status: criteria provided, conflicting classifications (1 of 4 stars). 5 submissions from 5 submitters: Uncertain significance (3); Likely benign (1). 1 of the submissions does not count toward it. Last evaluated 2025-04-02.

Conditions:
Familial cancer of breast. Also called: BREAST CANCER, FAMILIAL; Hereditary breast cancer; hereditary breast carcinoma. Identifiers: Orphanet 227535, MedGen C0346153, MONDO:0016419, OMIM 114480. Disease mechanism: loss of function.
Hereditary cancer-predisposing syndrome. Also called: Neoplastic Syndromes, Hereditary; Hereditary Cancer Syndrome; Hereditary neoplastic syndrome; Tumor predisposition. Identifiers: Orphanet 140162, MedGen C0027672, MeSH D009386, MONDO:0015356.

Allele frequency attached by ClinVar (database versions not stated): gnomAD exomes below 0.00001 and 0.00001; ExAC 0.00001.
gnomAD v4.1: 2 of 1,614,010 alleles (0.00012%); highest among the groups gnomAD compares: Admixed American, 0.0033%; no homozygotes.

Submissions (5):

Labcorp Genetics (formerly Invitae), Labcorp
Classification: Uncertain significance for Familial cancer of breast. Last evaluated: 2025-04-02. Review status: criteria provided, single submitter. Criteria: Invitae Variant Classification Sherloc (09022015). Collection method: clinical testing. Allele origin: germline.
Comment: This sequence change replaces valine, which is neutral and non-polar, with methionine, which is neutral and non-polar, at codon 398 of the PALB2 protein (p.Val398Met). This variant is present in population databases (rs769097541, gnomAD 0.006%). This missense change has been observed in individual(s) with breast cancer (PMID: 28825143, 30287823). ClinVar contains an entry for this variant (Variation ID: 460885). Invitae Evidence Modeling of protein sequence and biophysical properties (such as structural, functional, and spatial information, amino acid conservation, physicochemical variation, residue mobility, and thermodynamic stability) indicates that this missense variant is not expected to disrupt PALB2 protein function with a negative predictive value of 80%. In summary, the available evidence is currently insufficient to determine the role of this variant in disease. Therefore, it has been classified as a Variant of Uncertain Significance.

GeneDx
Classification: Uncertain significance. Last evaluated: 2024-03-13. Review status: criteria provided, single submitter. Criteria: GeneDx Variant Classification Process June 2021. Collection method: clinical testing. Allele origin: germline. Affected: yes.
Comment: Not observed at significant frequency in large population cohorts (gnomAD); In silico analysis supports that this missense variant does not alter protein structure/function; Observed in individuals with breast cancer (PMID: 30287823, 28825143); This variant is associated with the following publications: (PMID: 28825143, 22193777, 36387226, 30287823)

Color Diagnostics, LLC DBA Color Health
Classification: Uncertain significance for Hereditary cancer-predisposing syndrome. Last evaluated: 2018-07-29. Review status: criteria provided, single submitter. Criteria: ACMG Guidelines, 2015. Collection method: clinical testing. Allele origin: germline.

Ambry Genetics
Classification: Likely benign for Hereditary cancer-predisposing syndrome. Last evaluated: 2018-04-23. Review status: criteria provided, single submitter. Criteria: Ambry Variant Classification Scheme 2023. Collection method: clinical testing. Allele origin: germline.

Leiden Open Variation Database
Classification: Uncertain significance. Last evaluated: 2018-10-10. Review status: no assertion criteria provided. Collection method: curation. Allele origin: germline. Affected: yes. Not counted in ClinVar's aggregate classification.
Comment: Curators: Marc Tischkowitz, Arleen D. Auerbach. Submitter to LOVD: Yukihide Momozawa.

Literature cited by the submitters: PubMed 28825143 (cited by Labcorp Genetics (formerly Invitae), Labcorp); PubMed 30287823 (cited by Labcorp Genetics (formerly Invitae), Labcorp and Leiden Open Variation Database).